The following is an entry in ClinVar:

ClinVar aggregate classification (germline): Uncertain significance (1 of 4 stars; one submission).

Conditions:
Hereditary cancer-predisposing syndrome. Also called: Hereditary neoplastic syndrome; Neoplastic Syndromes, Hereditary; Tumor predisposition; Hereditary Cancer Syndrome. Identifiers: Orphanet 140162, MedGen C0027672, MeSH D009386, MONDO:0015356.

Submission:

Ambry Genetics
Classification: Uncertain significance for Hereditary cancer-predisposing syndrome. Last evaluated: 2025-08-23. Review status: criteria provided, single submitter. Criteria: Ambry Variant Classification Scheme 2023. Collection method: clinical testing. Allele origin: germline.
Comment: The p.T677P variant (also known as c.2029A>C), located in coding exon 14 of the PTCH1 gene, results from an A to C substitution at nucleotide position 2029. The threonine at codon 677 is replaced by proline, an amino acid with highly similar properties. This amino acid position is conserved. In addition, the in silico prediction for this alteration is inconclusive. Based on the available evidence, the clinical significance of this variant remains unclear.

NM_000264.5(PTCH1):c.2029A>C (p.Thr677Pro)

Genes: PTCH1 (patched 1; minus strand), LOC100507346 (uncharacterized LOC100507346; plus strand). Cytogenetic location: 9q22.32.
Variant type: single nucleotide variant.
Coding change: c.2029A>C on transcript NM_000264.5 (MANE Select); coding-DNA position 2029, A replaced by C.
Protein change: p.Thr677Pro; replaces threonine 677 with proline.
Molecular consequence: missense variant. On other transcripts: non-coding transcript variant (2).
Genome position (GRCh38, 1-based): chr9:95,468,972, T>G on the plus strand (A>C on the coding strand, the complement: PTCH1 is on the minus strand). VCF-style: chr9-95468972-T-G. GRCh37 (hg19) VCF-style: chr9-98231254-T-G.
Other names: c.1831A>C, p.Thr611Pro (NM_001083602.3); c.2026A>C, p.Thr676Pro (NM_001083603.3); c.1576A>C, p.Thr526Pro (NM_001083604.3, NM_001083605.3, NM_001083606.3 and 1 more transcripts); c.1873A>C, p.Thr625Pro (NM_001354918.2); short protein forms T625P, T526P, T676P, T611P, T677P.
Identifiers: ClinVar variation 4146896 (VCV004146896.1).